The following is an entry in ClinVar:

ClinVar aggregate classification (germline): Pathogenic/Likely pathogenic. Review status: criteria provided, multiple submitters, no conflicts (2 of 4 stars). 3 submissions from 3 submitters: Pathogenic (1); Likely pathogenic (2). Last evaluated 2026-01-06.

Conditions:
Isolated thoracic aortic aneurysm.
Familial thoracic aortic aneurysm and aortic dissection (TAAD). Also called: Thoracic aortic aneurysms and dissections. Identifiers: Orphanet 91387, MedGen C4707243, MONDO:0019625.
Marfan syndrome (MFS). Also called: Marfan syndrome type 1; Marfan syndrome, classic; Marfan's syndrome; FBN1-Related Marfan Syndrome; MARFAN SYNDROME, TYPE I. Identifiers: Orphanet 284963, Orphanet 558, MedGen C0024796, MONDO:0007947, OMIM 154700.

Submissions (3):

Labcorp Genetics (formerly Invitae), Labcorp
Classification: Pathogenic for Marfan syndrome; Familial thoracic aortic aneurysm and aortic dissection. Last evaluated: 2026-01-06. Review status: criteria provided, single submitter. Criteria: Invitae Variant Classification Sherloc (09022015). Collection method: clinical testing. Allele origin: germline.
Comment: This sequence change creates a premature translational stop signal (p.Ile1974Tyrfs*3) in the FBN1 gene. It is expected to result in an absent or disrupted protein product. Loss-of-function variants in FBN1 are known to be pathogenic (PMID: 17657824, 19293843). This variant is not present in population databases (gnomAD no frequency). This premature translational stop signal has been observed in individual(s) with clinical features of FBN1-related conditions (PMID: 33824467). ClinVar contains an entry for this variant (Variation ID: 547335). For these reasons, this variant has been classified as Pathogenic.

Department of Vascular Biology, Beijing Anzhen Hospital
Classification: Likely pathogenic for Isolated thoracic aortic aneurysm. Last evaluated: 2018-09-01. Review status: criteria provided, single submitter. Criteria: ACMG Guidelines, 2015. Collection method: research. Allele origin: germline. Affected: yes.

Center for Human Genetics, Inc
Classification: Likely pathogenic for Marfan syndrome. Last evaluated: 2016-11-01. Review status: criteria provided, single submitter. Criteria: ACMG Guidelines, 2015. Collection method: clinical testing. Allele origin: germline. Affected: yes.

Literature cited by the submitters: PubMed 17657824 (cited by Labcorp Genetics (formerly Invitae), Labcorp); PubMed 19293843 (cited by Labcorp Genetics (formerly Invitae), Labcorp); PubMed 33824467 (cited by Labcorp Genetics (formerly Invitae), Labcorp).

NM_000138.5(FBN1):c.5919dup (p.Ile1974fs)

Gene: FBN1 (fibrillin 1; minus strand). Cytogenetic location: 15q21.1.
Variant type: Duplication.
Coding change: c.5919dup on transcript NM_000138.5 (MANE Select); coding-DNA position 5919, one base duplicated (T; older notation c.5919dupT).
Protein change: p.Ile1974fs; shifts the reading frame from isoleucine 1974.
Molecular consequence: frameshift variant.
Genome position (GRCh38, 1-based): chr15:48,444,659, A duplicated on the plus strand (T on the coding strand, the reverse complement: FBN1 is on the minus strand). VCF-style (leftmost placement, unchanged base first): chr15-48444658-T-TA. GRCh37 (hg19) VCF-style: chr15-48736855-T-TA.
Other names: c.5919dupT (NM_000138.4); short protein forms I1974fs.
Identifiers: ClinVar variation 547335 (VCV000547335.5), dbSNP rs1555395670, ClinGen allele CA658824943.